The following is an entry in ClinVar:

NM_001244008.2(KIF1A):c.583_591del (p.Leu195_Asp197del)

Gene: KIF1A (kinesin family member 1A; minus strand). Cytogenetic location: 2q37.3.
Variant type: Deletion.
Coding change: c.583_591del on transcript NM_001244008.2 (MANE Select); coding-DNA positions 583 to 591, 9 bases deleted (CTCATGGAC; older notation c.583_591delCTCATGGAC).
Protein change: p.Leu195_Asp197del.
Molecular consequence: inframe deletion.
Genome position (GRCh38, 1-based): chr2:240,786,352-240,786,360, GTCCATGAG deleted on the plus strand (CTCATGGAC on the coding strand, the reverse complement: KIF1A is on the minus strand); deleting any 9 consecutive bases within chr2:240,786,352-240,786,364 gives the same sequence; the c. name uses the placement nearest the transcript's 3' end. VCF-style (leftmost placement, unchanged base first): chr2-240786351-AGTCCATGAG-A. GRCh37 (hg19) VCF-style: chr2-241725768-AGTCCATGAG-A.
Other names: c.583_591del, p.Leu195_Asp197del (NM_001320705.2, NM_001330289.2, NM_001330290.2 and 20 more transcripts).
Identifiers: ClinVar variation 4823072 (VCV004823072.4).

ClinVar aggregate classification (germline): Uncertain significance (1 of 4 stars; one submission).

Submission:

CeGaT Center for Human Genetics Tuebingen
Classification: Uncertain significance. Last evaluated: 2026-02-01. Review status: criteria provided, single submitter. Criteria: CeGaT Center For Human Genetics Tuebingen Variant Classification Criteria Version 2. Collection method: clinical testing. Allele origin: germline. Affected: yes. Observed: 1 variant allele.
Comment: KIF1A: PM2, PM4